The following is an entry in ClinVar:

ClinVar aggregate classification (germline): Pathogenic (1 of 4 stars; one submission).

Submission:

Quest Diagnostics Nichols Institute San Juan Capistrano
Classification: Pathogenic. Last evaluated: 2021-12-02. Review status: criteria provided, single submitter. Criteria: ACMG/ClinGen CNV Guidelines, 2019. Collection method: clinical testing. Allele origin: unknown.
Comment: The loss of 2p16.3 involves multiple exons of the 5' region of gene NRXN1 (OMIM 600565). This genomic loss may predispose to a wide spectrum of developmental disorders (Al Shehhi et al., Eur J Med Genet. 2018 Jul 18. Pii: S1769-7212(18)30079-X., PMID: 30031152; Ching et al., Am J Med Genet B Neuropsychiatr Genet. 2010 Jun 5;153B(4):937-47, PMID: 20468056). Most individuals with NRXN1 exonic deletions have developmental delay (particularly speech), abnormal behaviors, and mild dysmorphic features. In a cohort of over 20 individuals with NRXN1 exonic deletions, autism spectrum disorders were diagnosed in 43% (10/23), and 16% (4/25) had epilepsy (Dabell MP, et al., Am J Med Genet A. 2013 Apr;161A(4):717-31; PMID: 23495017). Data from a recent study evaluating NRXN1 deletions suggests partial deletions near the 5' end have a higher penetrance related to the expression of neurodevelopmental phenotypes compared to those at the 3' end (Lowther et al. Genet Med. 2017 Jan;19(1):53-61. PMID: 27195815). A

GRCh37/hg19 2p16.3(chr2:50838595-51078612)x1

Gene: NRXN1 (neurexin 1; minus strand). Cytogenetic location: 2p16.3.
Variant type: copy number loss.
Change: copy number 1 (one copy instead of two) of chr2:50,838,595-51,078,612 (240.0 kb, GRCh37 coordinates, 1-based), cytogenetic band 2p16.3.
Identifiers: ClinVar variation 1807818 (VCV001807818.1).